The following is an entry in ClinVar:

NM_000038.6(APC):c.244T>C (p.Phe82Leu)

Gene: APC (APC regulator of Wnt signaling pathway; plus strand). Cytogenetic location: 5q22.2.
Variant type: single nucleotide variant.
Coding change: c.244T>C on transcript NM_000038.6 (MANE Select); coding-DNA position 244, T replaced by C.
Protein change: p.Phe82Leu; replaces phenylalanine 82 with leucine.
Molecular consequence: missense variant. On other transcripts: 5 prime UTR variant (1).
Genome position (GRCh38, 1-based): chr5:112,767,212, T>C. VCF-style: chr5-112767212-T-C. GRCh37 (hg19) VCF-style: chr5-112102909-T-C.
Other names: c.244T>C, p.Phe82Leu (NM_001127510.3, NM_001354895.2, NM_001354896.2 and 2 more transcripts); c.274T>C, p.Phe92Leu (NM_001127511.3, NM_001354897.2, NM_001354902.2); c.169T>C, p.Phe57Leu (NM_001354898.2, NM_001354904.2); c.67T>C, p.Phe23Leu (NM_001354900.2, NM_001354901.2, NM_001354905.2); c.-792T>C (NM_001354906.2); short protein forms F23L, F57L, F82L, F92L.
Identifiers: ClinVar variation 1023107 (VCV001023107.48), dbSNP rs863225329, ClinGen allele CA16021878.

ClinVar aggregate classification (germline): Uncertain significance (1 of 4 stars; one submission).

Conditions:
Familial adenomatous polyposis 1 (FAP1). Also called: POLYPOSIS, ADENOMATOUS INTESTINAL; FAMILIAL ADENOMATOUS POLYPOSIS 1, ATTENUATED. Identifiers: MedGen C2713442, MONDO:0021056, OMIM 175100. Disease mechanism: loss of function.

Submission:

Labcorp Genetics (formerly Invitae), Labcorp
Classification: Uncertain significance for Familial adenomatous polyposis 1. Last evaluated: 2022-02-20. Review status: criteria provided, single submitter. Criteria: Invitae Variant Classification Sherloc (09022015). Collection method: clinical testing. Allele origin: germline.
Comment: In summary, the available evidence is currently insufficient to determine the role of this variant in disease. Therefore, it has been classified as a Variant of Uncertain Significance. Algorithms developed to predict the effect of missense changes on protein structure and function are either unavailable or do not agree on the potential impact of this missense change (SIFT: "Deleterious"; PolyPhen-2: "Benign"; Align-GVGD: "Class C0"). ClinVar contains an entry for this variant (Variation ID: 1023107). This variant has not been reported in the literature in individuals affected with APC-related conditions. This variant is not present in population databases (gnomAD no frequency). This sequence change replaces phenylalanine, which is neutral and non-polar, with leucine, which is neutral and non-polar, at codon 82 of the APC protein (p.Phe82Leu).